The following is an entry in ClinVar:

NM_001199397.3(NEK1):c.2731C>G (p.Gln911Glu)

Gene: NEK1 (NIMA related kinase 1; minus strand). Cytogenetic location: 4q33.
Variant type: single nucleotide variant.
Coding change: c.2731C>G on transcript NM_001199397.3 (MANE Select); coding-DNA position 2731, C replaced by G.
Protein change: p.Gln911Glu; replaces glutamine 911 with glutamic acid.
Molecular consequence: missense variant. On other transcripts: non-coding transcript variant (1), intron variant (1).
Genome position (GRCh38, 1-based): chr4:169,438,116, G>C on the plus strand (C>G on the coding strand, the complement: NEK1 is on the minus strand). VCF-style: chr4-169438116-G-C. GRCh37 (hg19) VCF-style: chr4-170359267-G-C.
Other names: c.2599C>G, p.Gln867Glu (NM_001199398.3); c.2440C>G, p.Gln814Glu (NM_001199399.3); c.2515C>G, p.Gln839Glu (NM_001199400.3); c.2731C>G, p.Gln911Glu (NM_001374418.1); c.2647C>G, p.Gln883Glu (NM_001374419.1, NM_012224.4); c.2596C>G, p.Gln866Glu (NM_001374420.1); c.2282-4451C>G (NM_001374421.1); short protein forms Q883E, Q911E, Q814E, Q839E, Q867E, Q866E.
Identifiers: ClinVar variation 527126 (VCV000527126.34), dbSNP rs6828134, ClinGen allele CA3137347.

ClinVar aggregate classification (germline): Benign/Likely benign. Review status: criteria provided, multiple submitters, no conflicts (2 of 4 stars). 6 submissions from 6 submitters: Benign (2); Likely benign (4). Last evaluated 2026-01-24.

Conditions:
Short-rib thoracic dysplasia 6 with or without polydactyly (SRTD6). Also called: Majewski Syndrome; POLYDACTYLY WITH NEONATAL CHONDRODYSTROPHY, TYPE II; SHORT RIB-POLYDACTYLY SYNDROME, TYPE IIA; SHORT-RIB THORACIC DYSPLASIA 6 WITH POLYDACTYLY; SHORT-RIB THORACIC DYSPLASIA 6 WITHOUT POLYDACTYLY. Identifiers: MedGen C0024507, MONDO:0009894, OMIM 263520.
Connective tissue disorder. Also called: Connective tissue disease. Identifiers: MedGen C0009782, MONDO:0003900.

Allele frequency attached by ClinVar (database versions not stated): gnomAD exomes 0.00048 and 0.00119; ExAC 0.00188; gnomAD 0.00496 and 0.00535; ESP Exome Variant Server 0.00498; TOPMed 0.00570; 1000 Genomes Project 0.00639; 1000 Genomes Project 30x 0.00671.
gnomAD v4.1: 1,491 of 1,612,356 alleles (0.092%); highest among the groups gnomAD compares: African/African-American, 1.8%; 11 homozygotes.

Submissions (6):

Labcorp Genetics (formerly Invitae), Labcorp
Classification: Benign for Short-rib thoracic dysplasia 6 with or without polydactyly. Last evaluated: 2026-01-24. Review status: criteria provided, single submitter. Criteria: Invitae Variant Classification Sherloc (09022015). Collection method: clinical testing. Allele origin: germline.

ARUP Laboratories, Molecular Genetics and Genomics, ARUP Laboratories
Classification: Benign. Last evaluated: 2025-02-25. Review status: criteria provided, single submitter. Criteria: ARUP Molecular Germline Variant Investigation Process 2024. Collection method: clinical testing. Allele origin: germline.

Blueprint Genetics
Classification: Likely benign. Last evaluated: 2024-10-18. Review status: criteria provided, single submitter. Criteria: ACMG Guidelines, 2015. Collection method: clinical testing. Allele origin: germline.

GeneDx
Classification: Likely benign. Last evaluated: 2024-07-01. Review status: criteria provided, single submitter. Criteria: GeneDx Variant Classification Process June 2021. Collection method: clinical testing. Allele origin: germline. Affected: yes.
Comment: See Variant Classification Assertion Criteria.

Genome Diagnostics Laboratory, The Hospital for Sick Children
Classification: Likely benign for Connective tissue disorder. Last evaluated: 2019-05-01. Review status: criteria provided, single submitter. Criteria: ACMG Guidelines, 2015. Collection method: clinical testing. Allele origin: germline.

Breakthrough Genomics
Classification: Likely benign. Review status: criteria provided, single submitter. Criteria: ACMG Guidelines, 2015. Collection method: not provided. Allele origin: germline. Inheritance: Autosomal recessive inheritance. Affected: yes.